The following is an entry in ClinVar:

ClinVar aggregate classification (germline): Uncertain significance (1 of 4 stars; one submission).

Submission:

Labcorp Genetics (formerly Invitae), Labcorp
Classification: Uncertain significance. Last evaluated: 2022-08-10. Review status: criteria provided, single submitter. Criteria: Invitae Variant Classification Sherloc (09022015). Collection method: clinical testing. Allele origin: germline.
Comment: This variant is not present in population databases (gnomAD no frequency). In summary, the available evidence is currently insufficient to determine the role of this variant in disease. Therefore, it has been classified as a Variant of Uncertain Significance. Algorithms developed to predict the effect of missense changes on protein structure and function (SIFT, PolyPhen-2, Align-GVGD) all suggest that this variant is likely to be tolerated. ClinVar contains an entry for this variant (Variation ID: 1415489). This variant has not been reported in the literature in individuals affected with DMXL2-related conditions. This sequence change replaces serine, which is neutral and polar, with leucine, which is neutral and non-polar, at codon 2092 of the DMXL2 protein (p.Ser2092Leu).

NM_001378457.1(DMXL2):c.6275C>T (p.Ser2092Leu)

Gene: DMXL2 (Dmx like 2; minus strand). Cytogenetic location: 15q21.2.
Variant type: single nucleotide variant.
Coding change: c.6275C>T on transcript NM_001378457.1 (MANE Select); coding-DNA position 6275, C replaced by T.
Protein change: p.Ser2092Leu; replaces serine 2092 with leucine.
Molecular consequence: missense variant. On other transcripts: non-coding transcript variant (2).
Genome position (GRCh38, 1-based): chr15:51,480,831, G>A on the plus strand (C>T on the coding strand, the complement: DMXL2 is on the minus strand). VCF-style: chr15-51480831-G-A. GRCh37 (hg19) VCF-style: chr15-51773028-G-A.
Other names: c.6275C>T, p.Ser2092Leu (NM_001174116.3, NM_001378458.1, NM_001378459.1 and 4 more transcripts); c.4367C>T, p.Ser1456Leu (NM_001174117.3); c.4256C>T, p.Ser1419Leu (NM_001378460.1); c.6035C>T, p.Ser2012Leu (NM_001378464.1); short protein forms S1456L, S2092L, S1419L, S2012L.
Identifiers: ClinVar variation 1415489 (VCV001415489.6), dbSNP rs2140366363, ClinGen allele CA392443959.
Genomic context (GRCh38, chr15:51,480,831, plus strand): 5'-TGATCCAGCAGATCACTCTCTACTTTGGAATATGTCTTACTGGAATACTCTTTAATAACT[G>A]ATTCATGATTACATATCTCATGCAAGGCAGCAATTTCCTTTTCAAGCCAGTTATAGAGTT-3'
Protein context (NP_001365386.1, residues 2082-2102): AALHEICNHE[Ser2092Leu]VIKEYSSKTY